The following is an entry in ClinVar:

ClinVar aggregate classification (germline): Uncertain significance (1 of 4 stars; one submission).

Conditions:
Autosomal recessive severe congenital neutropenia due to CSF3R deficiency. Also called: Neutropenia, severe congenital, 7, autosomal recessive. Identifiers: Orphanet 420702, MedGen C4310764, MONDO:0014865, OMIM 617014.

Allele frequency attached by ClinVar (database versions not stated): gnomAD exomes below 0.00001; TOPMed below 0.00001.
gnomAD v4.1: 3 of 1,614,200 alleles (0.00019%); highest among the groups gnomAD compares: South Asian, 0.0033%; no homozygotes.

Submission:

Labcorp Genetics (formerly Invitae), Labcorp
Classification: Uncertain significance for Autosomal recessive severe congenital neutropenia due to CSF3R deficiency. Last evaluated: 2020-07-30. Review status: criteria provided, single submitter. Criteria: Invitae Variant Classification Sherloc (09022015). Collection method: clinical testing. Allele origin: germline.
Comment: In summary, the available evidence is currently insufficient to determine the role of this variant in disease. Therefore, it has been classified as a Variant of Uncertain Significance. Algorithms developed to predict the effect of missense changes on protein structure and function output the following: SIFT: "Tolerated"; PolyPhen-2: "Benign"; Align-GVGD: "Class C0". The serine amino acid residue is found in multiple mammalian species, suggesting that this missense change does not adversely affect protein function. These predictions have not been confirmed by published functional studies and their clinical significance is uncertain. This variant has not been reported in the literature in individuals with CSF3R-related conditions. This variant is not present in population databases (ExAC no frequency). This sequence change replaces proline with serine at codon 313 of the CSF3R protein (p.Pro313Ser). The proline residue is weakly conserved and there is a moderate physicochemical difference between proline and serine.

NM_000760.4(CSF3R):c.937C>T (p.Pro313Ser)

Gene: CSF3R (colony stimulating factor 3 receptor; minus strand). Cytogenetic location: 1p34.3.
Variant type: single nucleotide variant.
Coding change: c.937C>T on transcript NM_000760.4 (MANE Select); coding-DNA position 937, C replaced by T.
Protein change: p.Pro313Ser; replaces proline 313 with serine.
Molecular consequence: missense variant.
Genome position (GRCh38, 1-based): chr1:36,472,298, G>A on the plus strand (C>T on the coding strand, the complement: CSF3R is on the minus strand). VCF-style: chr1-36472298-G-A. GRCh37 (hg19) VCF-style: chr1-36937899-G-A.
Other names: c.937C>T, p.Pro313Ser (NM_156039.3, NM_172313.3); short protein forms P313S.
Identifiers: ClinVar variation 1043211 (VCV001043211.8), dbSNP rs1426986770, ClinGen allele CA339422352.